The following is an entry in ClinVar:

ClinVar aggregate classification (germline): Pathogenic/Likely pathogenic. Review status: criteria provided, multiple submitters, no conflicts (2 of 4 stars). 2 submissions from 2 submitters: Pathogenic (1); Likely pathogenic (1). Last evaluated 2019-09-28.

Conditions:
SPAST-related disorder. Also called: SPAST-related condition.
Hereditary spastic paraplegia 4. Also called: Spastic paraplegia 4, autosomal dominant; Spastic Paraplegia 4; Familial spastic paraplegia autosomal dominant 2. Identifiers: Orphanet 100985, MedGen C1866855, MONDO:0008438, OMIM 182601.

Submissions (2):

Labcorp Genetics (formerly Invitae), Labcorp
Classification: Pathogenic for Hereditary spastic paraplegia 4. Last evaluated: 2019-09-28. Review status: criteria provided, single submitter. Criteria: Invitae Variant Classification Sherloc (09022015). Collection method: clinical testing. Allele origin: germline.
Comment: For these reasons, this variant has been classified as Pathogenic. Donor and acceptor splice site variants typically lead to a loss of protein function (PMID: 16199547), and loss-of-function variants in SPAST are known to be pathogenic (PMID: 20932283). Experimental studies have shown that this disruption of this splice site alters mRNA splicing (PMID: 25421405). Disruption of this splice site has been observed in individuals affected with hereditary spastic paraplegia (PMID: 27334366, 25421405). This variant is not present in population databases (ExAC no frequency). This sequence change affects a donor splice site in intron 6 of the SPAST gene. It is expected to disrupt RNA splicing and likely results in an absent or disrupted protein product.

Blueprint Genetics
Classification: Likely pathogenic for SPAST-related disorders. Last evaluated: 2017-07-05. Review status: criteria provided, single submitter. Criteria: ACMG Guidelines, 2015. Collection method: clinical testing. Allele origin: germline. Affected: yes. Observed: 1 variant allele.

Literature cited by the submitters: PubMed 16199547 (cited by Labcorp Genetics (formerly Invitae), Labcorp); PubMed 20932283 (cited by Labcorp Genetics (formerly Invitae), Labcorp); PubMed 25421405 (cited by Labcorp Genetics (formerly Invitae), Labcorp); PubMed 27334366 (cited by Labcorp Genetics (formerly Invitae), Labcorp).

NM_014946.4(SPAST):c.1004+1G>C

Gene: SPAST (spastin; plus strand). Cytogenetic location: 2p22.3.
Variant type: single nucleotide variant.
Coding change: c.1004+1G>C on transcript NM_014946.4 (MANE Select); the canonical splice donor site of the intron after coding-DNA position 1004, G replaced by C.
Molecular consequence: splice donor variant.
Genome position (GRCh38, 1-based): chr2:32,115,836, G>C. VCF-style: chr2-32115836-G-C. GRCh37 (hg19) VCF-style: chr2-32340905-G-C.
Other names: c.908+1G>C (NM_199436.2, NM_001377959.1); c.1001+1G>C (NM_001363823.2); c.905+1G>C (NM_001363875.2).
Identifiers: ClinVar variation 943144 (VCV000943144.9), dbSNP rs1553315236, ClinGen allele CA346499377.